The following is an entry in ClinVar:

ClinVar aggregate classification (germline): Uncertain significance (1 of 4 stars; one submission).

Conditions:
Cardiovascular phenotype. Identifiers: MedGen CN230736.

gnomAD v4.1: 2 of 1,613,984 alleles (0.00012%); highest among the groups gnomAD compares: African/African-American, 0.0027%; no homozygotes.

Submission:

Ambry Genetics
Classification: Uncertain significance for Cardiovascular phenotype. Last evaluated: 2026-03-01. Review status: criteria provided, single submitter. Criteria: Ambry Variant Classification Scheme 2023. Collection method: clinical testing. Allele origin: germline.
Comment: The p.R183P variant (also known as c.548G>C), located in coding exon 5 of the ABCG5 gene, results from a G to C substitution at nucleotide position 548. The arginine at codon 183 is replaced by proline, an amino acid with dissimilar properties. This amino acid position is conserved. In addition, the in silico prediction for this alteration is inconclusive. Based on the available evidence, the clinical significance of this variant remains unclear.

NM_022436.3(ABCG5):c.548G>C (p.Arg183Pro)

Genes: ABCG5 (ATP binding cassette subfamily G member 5; minus strand), DYNC2LI1 (dynein cytoplasmic 2 light intermediate chain 1; plus strand). Cytogenetic location: 2p21.
Variant type: single nucleotide variant.
Coding change: c.548G>C on transcript NM_022436.3 (MANE Select); coding-DNA position 548, G replaced by C.
Protein change: p.Arg183Pro; replaces arginine 183 with proline.
Molecular consequence: missense variant. On other transcripts: 3 prime UTR variant (2).
Genome position (GRCh38, 1-based): chr2:43,828,069, C>G on the plus strand (G>C on the coding strand, the complement: ABCG5 is on the minus strand). VCF-style: chr2-43828069-C-G. GRCh37 (hg19) VCF-style: chr2-44055208-C-G.
Other names: c.*699C>G (NM_001348912.2, NM_001348913.2); short protein forms R183P.
Identifiers: ClinVar variation 4826202 (VCV004826202.1).
Genomic context (GRCh38, chr2:43,828,069, plus strand): 5'-ATGGAGACCCGGCGCCGCTCACCCGTGGAAATGCCCCCCAAGCTGTAGTTGCCAATCAGT[C>G]GGTCTGCCACATGGCTCAGACTCAGCTCTGCCATGACGGCCTCCACCTGCAGGAGACACA-3'
Protein context (NP_071881.1, residues 173-193): AELSLSHVAD[Arg183Pro]LIGNYSLGGI